The following is an entry in ClinVar:

ClinVar aggregate classification (germline): Likely pathogenic. Review status: criteria provided, multiple submitters, no conflicts (2 of 4 stars). 3 submissions from 3 submitters: Likely pathogenic (3). Last evaluated 2024-02-01.

Conditions:
Propionic acidemia (PROP). Also called: HYPERGLYCINEMIA WITH KETOACIDOSIS AND LEUKOPENIA; KETOTIC HYPERGLYCINEMIA; GLYCINEMIA, KETOTIC. Identifiers: Orphanet 35, MedGen C0268579, MONDO:0011628, OMIM 606054, HP:0003571.

Submissions (3):

Neuberg Centre For Genomic Medicine, NCGM
Classification: Likely pathogenic for Propionic acidemia. Last evaluated: 2024-02-01. Review status: criteria provided, single submitter. Criteria: ACMG Guidelines, 2015. Collection method: clinical testing. Allele origin: germline. Inheritance: Autosomal recessive inheritance.
Comment: The observed Splice acceptor variant in PCCA gene has not been reported previously as a pathogenic variant nor as a benign variant, to our knowledge. . Loss of function variants have been previously reported to be disease causing (Desviat LR, et al., 2004). This variant is classified as Likely Pathogenic. In the absence of another reportable variant in this gene, molecular diagnosis is not confirmed.

Fulgent Genetics
Classification: Likely pathogenic for Propionic acidemia. Last evaluated: 2024-01-20. Review status: criteria provided, single submitter. Criteria: ACMG Guidelines, 2015. Collection method: clinical testing. Allele origin: germline.

Revvity Omics, Revvity
Classification: Likely pathogenic for Propionic acidemia. Last evaluated: 2023-08-22. Review status: criteria provided, single submitter. Criteria: ACMG Guidelines, 2015. Collection method: clinical testing. Allele origin: germline.

NM_000282.4(PCCA):c.1900-2A>G

Gene: PCCA (propionyl-CoA carboxylase subunit alpha; plus strand). Cytogenetic location: 13q32.3.
Variant type: single nucleotide variant.
Coding change: c.1900-2A>G on transcript NM_000282.4 (MANE Select); the canonical splice acceptor site of the intron before coding-DNA position 1900, A replaced by G.
Molecular consequence: splice acceptor variant. On other transcripts: intron variant (2).
Genome position (GRCh38, 1-based): chr13:100,515,425, A>G. VCF-style: chr13-100515425-A-G. GRCh37 (hg19) VCF-style: chr13-101167679-A-G.
Other names: c.1900-12250A>G (NM_001178004.2); c.1846-2A>G (NM_001352605.2); c.1756-2A>G (NM_001352606.2); c.955-2A>G (NM_001352610.2); c.901-2A>G (NM_001352611.2); c.811-2A>G (NM_001352612.2); c.1822-2A>G (NM_001127692.3); c.1822-12250A>G (NM_001352607.2); and 1 more.
Identifiers: ClinVar variation 1324853 (VCV001324853.6), dbSNP rs2152998141, ClinGen allele CA388639909.